The following is an entry in ClinVar:

NM_004462.5(FDFT1):c.188G>A (p.Gly63Glu)

Gene: FDFT1 (farnesyl-diphosphate farnesyltransferase 1). Cytogenetic location: 8p23.1.
Variant type: single nucleotide variant.
Coding change: c.188G>A on transcript NM_004462.5 (MANE Select); coding-DNA position 188, G replaced by A.
Protein change: p.Gly63Glu; replaces glycine 63 with glutamic acid.
Molecular consequence: missense variant. On other transcripts: 5 prime UTR variant (5), intron variant (1).
Genome position (GRCh38, 1-based): chr8:11,808,882, G>A. VCF-style: chr8-11808882-G-A. GRCh37 (hg19) VCF-style: chr8-11666391-G-A.
Other names: c.188G>A, p.Gly63Glu (NM_001287742.2, NM_001287743.2); c.-5G>A (NM_001287744.2, NM_001287745.2, NM_001287747.2 and 2 more transcripts); c.365G>A, p.Gly122Glu (NM_001287750.2); c.64+5972G>A (NM_001287756.2); short protein forms G122E, G63E.
Identifiers: ClinVar variation 4849699 (VCV004849699.1).
Genomic context (GRCh38, chr8:11,808,882, plus strand): 5'-GCTACAAGTATCTCAATCAGACCAGTCGCAGTTTCGCAGCTGTTATCCAGGCGCTGGATG[G>A]GGAAATGCGGTGAGTGATGGAGGCAGCGCCTCTGGCTTGGAGGAAAGCTTGTCCGGGACC-3'
Protein context (NP_004453.3, residues 53-73): SFAAVIQALD[Gly63Glu]EMRNAVCIFY

ClinVar aggregate classification (germline): Uncertain significance (1 of 4 stars; one submission).

Conditions:
Squalene synthase deficiency. Also called: NEURODEVELOPMENTAL DISORDER WITH LOW CHOLESTEROL AND ABNORMAL URINE ORGANIC ACIDS. Identifiers: MedGen C4748427, MONDO:0032566, OMIM 618156.

gnomAD v4.1: 7 of 1,613,602 alleles (0.00043%); highest among the groups gnomAD compares: East Asian, 0.011%; no homozygotes.

Submission:

Diagnostics Services (NGS), CSIR - Centre For Cellular And Molecular Biology
Classification: Uncertain significance for Squalene synthase deficiency. Last evaluated: 2026-02-20. Review status: criteria provided, single submitter. Criteria: ACMG Guidelines, 2015. Collection method: clinical testing. Allele origin: germline. Observed: 1 variant allele, 1 heterozygote.
Comment: The c.188G>A variant is not present in EVS, Indian Exome Database or our internal database. The variant is present in 1000 Genomes and gnomAD at low frequencies. This variant has not been published in the literature for FDFT1-related conditions nor reported to clinical databases like Human Genome Mutation Database (HGMD), ClinVar or OMIM in any affected individuals. Predictions from different in-silico pathogenicity prediction programs like SIFT, MutationTaster2021, CADD, Franklin, Varsome etc., are contradictory. This indivudal harbours another heterozygous variant (c.692G>A) in this gene.